The following is an entry in ClinVar:

NM_006939.4(SOS2):c.3190T>A (p.Cys1064Ser)

Gene: SOS2 (SOS Ras/Rho guanine nucleotide exchange factor 2; minus strand). Cytogenetic location: 14q21.3.
Variant type: single nucleotide variant.
Coding change: c.3190T>A on transcript NM_006939.4 (MANE Select); coding-DNA position 3190, T replaced by A.
Protein change: p.Cys1064Ser; replaces cysteine 1064 with serine.
Molecular consequence: missense variant.
Genome position (GRCh38, 1-based): chr14:50,130,648, A>T on the plus strand (T>A on the coding strand, the complement: SOS2 is on the minus strand). VCF-style: chr14-50130648-A-T. GRCh37 (hg19) VCF-style: chr14-50597366-A-T.
Other names: c.3091T>A, p.Cys1031Ser (NM_001411020.1); short protein forms C1031S, C1064S.
Identifiers: ClinVar variation 1728671 (VCV001728671.5), dbSNP rs1224696199, ClinGen allele CA389640804.

ClinVar aggregate classification (germline): Uncertain significance. Review status: criteria provided, multiple submitters, no conflicts (2 of 4 stars). 2 submissions from 2 submitters: Uncertain significance (2). Last evaluated 2023-11-05.

Conditions:
Cardiovascular phenotype. Identifiers: MedGen CN230736.
Noonan syndrome 9 (NS9). Identifiers: Orphanet 648, MedGen C4225282, MONDO:0014691, OMIM 616559.

Allele frequency attached by ClinVar (database versions not stated): TOPMed below 0.00001; gnomAD 0.00001.
gnomAD v4.1: 3 of 1,614,014 alleles (0.00019%); highest among the groups gnomAD compares: Non-Finnish European, 0.00025%; no homozygotes.

Submissions (2):

Labcorp Genetics (formerly Invitae), Labcorp
Classification: Uncertain significance for Noonan syndrome 9. Last evaluated: 2023-11-05. Review status: criteria provided, single submitter. Criteria: Invitae Variant Classification Sherloc (09022015). Collection method: clinical testing. Allele origin: germline.
Comment: This sequence change replaces cysteine, which is neutral and slightly polar, with serine, which is neutral and polar, at codon 1064 of the SOS2 protein (p.Cys1064Ser). This variant is present in population databases (no rsID available, gnomAD 0.0009%). This variant has not been reported in the literature in individuals affected with SOS2-related conditions. ClinVar contains an entry for this variant (Variation ID: 1728671). Advanced modeling of protein sequence and biophysical properties (such as structural, functional, and spatial information, amino acid conservation, physicochemical variation, residue mobility, and thermodynamic stability) performed at Invitae indicates that this missense variant is not expected to disrupt SOS2 protein function with a negative predictive value of 95%. In summary, the available evidence is currently insufficient to determine the role of this variant in disease. Therefore, it has been classified as a Variant of Uncertain Significance.

Ambry Genetics
Classification: Uncertain significance for Cardiovascular phenotype. Last evaluated: 2022-10-27. Review status: criteria provided, single submitter. Criteria: Ambry Variant Classification Scheme 2023. Collection method: clinical testing. Allele origin: germline.
Comment: The p.C1064S variant (also known as c.3190T>A), located in coding exon 20 of the SOS2 gene, results from a T to A substitution at nucleotide position 3190. The cysteine at codon 1064 is replaced by serine, an amino acid with dissimilar properties. This amino acid position is conserved. In addition, this alteration is predicted to be tolerated by in silico analysis. Since supporting evidence is limited at this time, the clinical significance of this alteration remains unclear.